The following is an entry in ClinVar:

ClinVar aggregate classification (germline): Pathogenic (1 of 4 stars; one submission).

Submission:

Labcorp Genetics (formerly Invitae), Labcorp
Classification: Pathogenic. Last evaluated: 2023-01-05. Review status: criteria provided, single submitter. Criteria: Invitae Variant Classification Sherloc (09022015). Collection method: clinical testing. Allele origin: germline.
Comment: This variant disrupts a region of the HPS6 protein in which other variant(s) (p.Arg667*) have been determined to be pathogenic (PMID: 33878481; Invitae). This suggests that this is a clinically significant region of the protein, and that variants that disrupt it are likely to be disease-causing. For these reasons, this variant has been classified as Pathogenic. This variant has not been reported in the literature in individuals affected with HPS6-related conditions. This variant is not present in population databases (gnomAD no frequency). This sequence change creates a premature translational stop signal (p.Ile218Glufs*20) in the HPS6 gene. While this is not anticipated to result in nonsense mediated decay, it is expected to disrupt the last 558 amino acid(s) of the HPS6 protein.

Literature cited by the submitters: PubMed 33878481.

NM_024747.6(HPS6):c.651_655del (p.Ile218fs)

Gene: HPS6 (HPS6 biogenesis of lysosomal organelles complex 2 subunit 3; plus strand). Cytogenetic location: 10q24.32.
Variant type: Deletion.
Coding change: c.651_655del on transcript NM_024747.6 (MANE Select); coding-DNA positions 651 to 655, 5 bases deleted (CATCT; older notation c.651_655delCATCT).
Protein change: p.Ile218fs; shifts the reading frame from isoleucine 218.
Molecular consequence: frameshift variant.
Genome position (GRCh38, 1-based): chr10:102,066,125-102,066,129, CATCT deleted; deleting any 5 consecutive bases within chr10:102,066,123-102,066,129 gives the same sequence; the c. name uses the placement nearest the transcript's 3' end. VCF-style (leftmost placement, unchanged base first): chr10-102066122-ACTCAT-A. GRCh37 (hg19) VCF-style: chr10-103825879-ACTCAT-A.
Other names: short protein forms I218fs.
Identifiers: ClinVar variation 2826292 (VCV002826292.3), dbSNP rs2540986934, ClinGen allele CA2739275948.
Genomic context (GRCh38, chr10:102,066,122, plus strand): 5'-CTGCAGACAACTCTTCCTGGTGCCCACTGCCACCACCTGGCCTGGCGTGGCCCACGTTCT[ACTCAT>A]CTGGAGCCCAGGCAAGGGCAAAGTGATGGTGGCTGCCCCACGGCTTGGTCTCTCCTACAG-3'